The following is an entry in ClinVar:

ClinVar aggregate classification (germline): Uncertain significance (1 of 4 stars; one submission).

Conditions:
TTC21B-related disorder. Also called: TTC21B-related condition; TTC21B-related disorders.

Submission:

PreventionGenetics, part of Exact Sciences
Classification: Uncertain significance for TTC21B-related condition. Last evaluated: 2026-01-13. Review status: criteria provided, single submitter. Criteria: ACMG Guidelines, 2015. Collection method: clinical testing. Allele origin: germline.
Comment: The TTC21B c.3077A>C variant is predicted to result in the amino acid substitution p.Gln1026Pro. To our knowledge, this variant has not been reported in the literature or in a large population database (gnomAD), indicating this variant is rare. At this time, the clinical significance of this variant is uncertain due to the absence of conclusive functional and genetic evidence.

NM_024753.5(TTC21B):c.3077A>C (p.Gln1026Pro)

Gene: TTC21B (tetratricopeptide repeat domain 21B; minus strand). Cytogenetic location: 2q24.3.
Variant type: single nucleotide variant.
Coding change: c.3077A>C on transcript NM_024753.5 (MANE Select); coding-DNA position 3077, A replaced by C.
Protein change: p.Gln1026Pro; replaces glutamine 1026 with proline.
Molecular consequence: missense variant.
Genome position (GRCh38, 1-based): chr2:165,890,862, T>G on the plus strand (A>C on the coding strand, the complement: TTC21B is on the minus strand). VCF-style: chr2-165890862-T-G. GRCh37 (hg19) VCF-style: chr2-166747372-T-G.
Other names: short protein forms Q1026P.
Identifiers: ClinVar variation 4994199 (VCV004994199.1).